The following is an entry in ClinVar:

ClinVar aggregate classification (germline): Uncertain significance. Review status: criteria provided, multiple submitters, no conflicts (2 of 4 stars). 4 submissions from 4 submitters: Uncertain significance (4). Last evaluated 2025-05-28.

Conditions:
Catecholaminergic polymorphic ventricular tachycardia 1. Also called: VENTRICULAR TACHYCARDIA, CATECHOLAMINERGIC POLYMORPHIC, 1, WITH OR WITHOUT ATRIAL DYSFUNCTION AND/OR DILATED CARDIOMYOPATHY; RYR2-Related Catecholaminergic Polymorphic Ventricular Tachycardia; VENTRICULAR TACHYCARDIA, STRESS-INDUCED POLYMORPHIC 1. Identifiers: Orphanet 3286, MedGen C1631597, MONDO:0011484, OMIM 604772.
Catecholaminergic polymorphic ventricular tachycardia (CVPT). Also called: Catecholamine-induced polymorphic ventricular tachycardia. Identifiers: Orphanet 3286, MedGen C5574922, MONDO:0017990.
Cardiovascular phenotype. Identifiers: MedGen CN230736.
Cardiomyopathy (CMYO). Also called: Cardiomyopathies. Identifiers: Orphanet 167848, MedGen C0878544, MONDO:0004994, HP:0001638. Inheritance: Various modes of inheritance.

Allele frequency attached by ClinVar (database versions not stated): gnomAD exomes below 0.00001; TOPMed below 0.00001.
gnomAD v4.1: 2 of 1,613,018 alleles (0.00012%); highest among the groups gnomAD compares: Non-Finnish European, 0.000085%; no homozygotes.

Submissions (4):

Ambry Genetics
Classification: Uncertain significance for Cardiovascular phenotype. Last evaluated: 2025-05-28. Review status: criteria provided, single submitter. Criteria: Ambry Variant Classification Scheme 2023. Collection method: clinical testing. Allele origin: germline.
Comment: The p.R545C variant (also known as c.1633C>T), located in coding exon 17 of the RYR2 gene, results from a C to T substitution at nucleotide position 1633. The arginine at codon 545 is replaced by cysteine, an amino acid with highly dissimilar properties. This amino acid position is highly conserved in available vertebrate species. In addition, the in silico prediction for this alteration is inconclusive. Based on the available evidence, the clinical significance of this variant remains unclear.

Labcorp Genetics (formerly Invitae), Labcorp
Classification: Uncertain significance for Catecholaminergic polymorphic ventricular tachycardia 1. Last evaluated: 2025-01-23. Review status: criteria provided, single submitter. Criteria: Invitae Variant Classification Sherloc (09022015). Collection method: clinical testing. Allele origin: germline.
Comment: This sequence change replaces arginine, which is basic and polar, with cysteine, which is neutral and slightly polar, at codon 545 of the RYR2 protein (p.Arg545Cys). This variant is not present in population databases (gnomAD no frequency). This variant has not been reported in the literature in individuals affected with RYR2-related conditions. ClinVar contains an entry for this variant (Variation ID: 3071014). Invitae Evidence Modeling of protein sequence and biophysical properties (such as structural, functional, and spatial information, amino acid conservation, physicochemical variation, residue mobility, and thermodynamic stability) indicates that this missense variant is expected to disrupt RYR2 protein function with a positive predictive value of 95%. In summary, the available evidence is currently insufficient to determine the role of this variant in disease. Therefore, it has been classified as a Variant of Uncertain Significance.

Color Diagnostics, LLC DBA Color Health
Classification: Uncertain significance for Cardiomyopathy. Last evaluated: 2024-03-06. Review status: criteria provided, single submitter. Criteria: ACMG Guidelines, 2015. Collection method: clinical testing. Allele origin: germline.
Comment: This missense variant replaces arginine with cysteine at codon 545 of the RYR2 protein. Computational prediction suggests that this variant may have deleterious impact on protein structure and function. To our knowledge, functional studies have not been reported for this variant. This variant has not been reported in individuals affected with RYR2-related disorders in the literature. This variant has not been identified in the general population by the Genome Aggregation Database (gnomAD). The available evidence is insufficient to determine the role of this variant in disease conclusively. Therefore, this variant is classified as a Variant of Uncertain Significance.

All of Us Research Program, National Institutes of Health
Classification: Uncertain significance for Catecholaminergic polymorphic ventricular tachycardia. Last evaluated: 2023-05-16. Review status: criteria provided, single submitter. Criteria: ACMG Guidelines, 2015. Collection method: clinical testing. Allele origin: germline. Inheritance: Autosomal dominant inheritance. Observed: 1 variant allele, 1 heterozygote.
Comment: This missense variant replaces arginine with cysteine at codon 545 of the RYR2 protein. Computational prediction suggests that this variant may have deleterious impact on protein structure and function (internally defined REVEL score threshold >= 0.7, PMID: 27666373). To our knowledge, functional studies have not been reported for this variant. This variant has not been reported in individuals affected with RYR2-related disorders in the literature. This variant has not been identified in the general population by the Genome Aggregation Database (gnomAD). The available evidence is insufficient to determine the role of this variant in disease conclusively. Therefore, this variant is classified as a Variant of Uncertain Significance.

This study involves interpretation of variants in research participants for the purpose of population health screening. Participant phenotype was not available at the time of variant classification. Additional details can be found in publication PMID: 35346344, PMCID: PMC8962531

NM_001035.3(RYR2):c.1633C>T (p.Arg545Cys)

Gene: RYR2 (ryanodine receptor 2; plus strand). Cytogenetic location: 1q43.
Variant type: single nucleotide variant.
Coding change: c.1633C>T on transcript NM_001035.3 (MANE Select); coding-DNA position 1633, C replaced by T.
Protein change: p.Arg545Cys; replaces arginine 545 with cysteine.
Molecular consequence: missense variant.
Genome position (GRCh38, 1-based): chr1:237,469,112, C>T. VCF-style: chr1-237469112-C-T. GRCh37 (hg19) VCF-style: chr1-237632412-C-T.
Other names: c.1633C>T (NM_001035.2); short protein forms R545C.
Identifiers: ClinVar variation 3071014 (VCV003071014.5), dbSNP rs1660399641, ClinGen allele CA345383653.